The following is an entry in ClinVar:

NM_017999.5(RNF31):c.43G>A (p.Glu15Lys)

Genes: RNF31 (ring finger protein 31; plus strand), LOC121468009 (Sharpr-MPRA regulatory region 11827; plus strand). Cytogenetic location: 14q12.
Variant type: single nucleotide variant.
Coding change: c.43G>A on transcript NM_017999.5 (MANE Select); coding-DNA position 43, G replaced by A.
Protein change: p.Glu15Lys; replaces glutamic acid 15 with lysine.
Molecular consequence: missense variant. On other transcripts: intron variant (1).
Genome position (GRCh38, 1-based): chr14:24,147,741, G>A. VCF-style: chr14-24147741-G-A. GRCh37 (hg19) VCF-style: chr14-24616950-G-A.
Other names: c.-325-235G>A (NM_001310332.2); short protein forms E15K.
Identifiers: ClinVar variation 2127251 (VCV002127251.4), dbSNP rs973850734, ClinGen allele CA257872104.
Genomic context (GRCh38, chr14:24,147,741, plus strand): 5'-GCTGACTCCTGCCTCAGGATGCCGGGGGAGGAAGAGGAGCGGGCCTTCCTGGTGGCCCGC[G>A]AGGAGCTGGCGAGCGCCCTGAGGAGGGATTCCGGGCAGGCGTTTTCCCTGGAGCAGCTCC-3'
Protein context (NP_060469.4, residues 5-25): EEERAFLVAR[Glu15Lys]ELASALRRDS

ClinVar aggregate classification (germline): Uncertain significance (1 of 4 stars; one submission).

Allele frequency attached by ClinVar (database versions not stated): gnomAD 0.00001.

Submission:

Labcorp Genetics (formerly Invitae), Labcorp
Classification: Uncertain significance. Last evaluated: 2022-04-17. Review status: criteria provided, single submitter. Criteria: Invitae Variant Classification Sherloc (09022015). Collection method: clinical testing. Allele origin: germline.
Comment: In summary, the available evidence is currently insufficient to determine the role of this variant in disease. Therefore, it has been classified as a Variant of Uncertain Significance. Algorithms developed to predict the effect of missense changes on protein structure and function output the following: SIFT: "Tolerated"; PolyPhen-2: "Benign"; Align-GVGD: "Class C0". The lysine amino acid residue is found in multiple mammalian species, which suggests that this missense change does not adversely affect protein function. This variant has not been reported in the literature in individuals affected with RNF31-related conditions. This variant is not present in population databases (gnomAD no frequency). This sequence change replaces glutamic acid, which is acidic and polar, with lysine, which is basic and polar, at codon 15 of the RNF31 protein (p.Glu15Lys).